The following is an entry in ClinVar:

ClinVar aggregate classification (germline): Conflicting classifications of pathogenicity. Review status: criteria provided, conflicting classifications (1 of 4 stars). 2 submissions from 2 submitters: Uncertain significance (1); Likely benign (1). Last evaluated 2024-05-07.

Conditions:
Cardiovascular phenotype. Identifiers: MedGen CN230736.
Dilated cardiomyopathy 1G (CMD1G). Identifiers: Orphanet 154, MedGen C1858763, MONDO:0011400, OMIM 604145.
Autosomal recessive limb-girdle muscular dystrophy type 2J (LGMDR10). Also called: Limb-girdle muscular dystrophy, type 2J; MUSCULAR DYSTROPHY, LIMB-GIRDLE, AUTOSOMAL RECESSIVE 10. Identifiers: Orphanet 140922, MedGen C1837342, MONDO:0012127, OMIM 608807.

Allele frequency attached by ClinVar (database versions not stated): gnomAD exomes 0.00001; gnomAD 0.00002; ExAC 0.00004.
gnomAD v4.1: 20 of 1,531,114 alleles (0.0013%); highest among the groups gnomAD compares: South Asian, 0.013%; no homozygotes.

Submissions (2):

Labcorp Genetics (formerly Invitae), Labcorp
Classification: Likely benign for Dilated cardiomyopathy 1G; Autosomal recessive limb-girdle muscular dystrophy type 2J. Last evaluated: 2024-05-07. Review status: criteria provided, single submitter. Criteria: Invitae Variant Classification Sherloc (09022015). Collection method: clinical testing. Allele origin: germline.

Ambry Genetics
Classification: Uncertain significance for Cardiovascular phenotype. Last evaluated: 2024-03-20. Review status: criteria provided, single submitter. Criteria: Ambry Variant Classification Scheme 2023. Collection method: clinical testing. Allele origin: germline.
Comment: The c.24870C>T variant (also known as p.H8290H), located in coding exon 100 of the TTN gene, results from a C to T substitution at nucleotide position 24870. This nucleotide substitution does not change the histidine at codon 8290. This nucleotide position is poorly conserved in available vertebrate species. In silico splice site analysis for this alteration is inconclusive. Since supporting evidence is limited at this time, the clinical significance of this alteration remains unclear.

NM_001267550.2(TTN):c.52065C>T (p.His17355=)

Genes: TTN-AS1 (TTN antisense RNA 1; plus strand), TTN (titin; minus strand). Cytogenetic location: 2q31.2.
Variant type: single nucleotide variant.
Coding change: c.52065C>T on transcript NM_001267550.2 (MANE Select); coding-DNA position 52065, C replaced by T.
Protein change: p.His17355=; no amino-acid change (histidine 17355 retained).
Molecular consequence: synonymous variant.
Genome position (GRCh38, 1-based): chr2:178,609,245, G>A on the plus strand (C>T on the coding strand, the complement: TTN is on the minus strand). VCF-style: chr2-178609245-G-A. GRCh37 (hg19) VCF-style: chr2-179473972-G-A.
Other names: c.47142C>T, p.His15714= (NM_001256850.1); c.24870C>T, p.His8290= (NM_003319.4); c.44361C>T, p.His14787= (NM_133378.4); c.25245C>T, p.His8415= (NM_133432.3); c.25446C>T, p.His8482= (NM_133437.4).
Identifiers: ClinVar variation 1791994 (VCV001791994.8), dbSNP rs766993798, ClinGen allele CA1994067.